The following is an entry in ClinVar:

ClinVar aggregate classification (germline): Uncertain significance. Review status: criteria provided, multiple submitters, no conflicts (2 of 4 stars). 2 submissions from 2 submitters: Uncertain significance (2). Last evaluated 2021-11-29.

Conditions:
Hereditary cancer-predisposing syndrome. Also called: Hereditary neoplastic syndrome; Neoplastic Syndromes, Hereditary; Tumor predisposition; Hereditary Cancer Syndrome. Identifiers: Orphanet 140162, MedGen C0027672, MeSH D009386, MONDO:0015356.

Allele frequency attached by ClinVar (database versions not stated): gnomAD 0.00001; gnomAD exomes 0.00001.

Submissions (2):

Ambry Genetics
Classification: Uncertain significance for Hereditary cancer-predisposing syndrome. Last evaluated: 2021-11-29. Review status: criteria provided, single submitter. Criteria: Ambry Variant Classification Scheme 2023. Collection method: clinical testing. Allele origin: germline.
Comment: The p.E37K variant (also known as c.109G>A), located in coding exon 1 of the VHL gene, results from a G to A substitution at nucleotide position 109. The glutamic acid at codon 37 is replaced by lysine, an amino acid with similar properties. This amino acid position is well conserved in available vertebrate species. In addition, this alteration is predicted to be tolerated by in silico analysis. Since supporting evidence is limited at this time, the clinical significance of this alteration remains unclear.

PreventionGenetics, part of Exact Sciences
Classification: Uncertain significance. Last evaluated: 2017-01-06. Review status: criteria provided, single submitter. Criteria: ACMG Guidelines, 2015. Collection method: clinical testing. Allele origin: germline.

NM_000551.4(VHL):c.109G>A (p.Glu37Lys)

Gene: VHL (von Hippel-Lindau tumor suppressor; plus strand). Cytogenetic location: 3p25.3.
Variant type: single nucleotide variant.
Coding change: c.109G>A on transcript NM_000551.4 (MANE Select); coding-DNA position 109, G replaced by A.
Protein change: p.Glu37Lys; replaces glutamic acid 37 with lysine.
Molecular consequence: missense variant.
Genome position (GRCh38, 1-based): chr3:10,141,956, G>A. VCF-style: chr3-10141956-G-A. GRCh37 (hg19) VCF-style: chr3-10183640-G-A.
Other names: c.109G>A, p.Glu37Lys (NM_001354723.2, NM_198156.3); short protein forms E37K.
Identifiers: ClinVar variation 560738 (VCV000560738.4), dbSNP rs1338996432, ClinGen allele CA351747751.
Genomic context (GRCh38, chr3:10,141,956, plus strand): 5'-GAGGCAGGCGTCGAAGAGTACGGCCCTGAAGAAGACGGCGGGGAGGAGTCGGGCGCCGAG[G>A]AGTCCGGCCCGGAAGAGTCCGGCCCGGAGGAACTGGGCGCCGAGGAGGAGATGGAGGCCG-3'
Protein context (NP_000542.1, residues 27-47): EDGGEESGAE[Glu37Lys]SGPEESGPEE